The following is an entry in ClinVar:

ClinVar aggregate classification (germline): Uncertain significance. Review status: criteria provided, multiple submitters, no conflicts (2 of 4 stars). 2 submissions from 2 submitters: Uncertain significance (2). Last evaluated 2023-02-24.

Conditions:
Hereditary cancer-predisposing syndrome. Also called: Tumor predisposition; Hereditary neoplastic syndrome; Hereditary Cancer Syndrome; Neoplastic Syndromes, Hereditary. Identifiers: Orphanet 140162, MedGen C0027672, MeSH D009386, MONDO:0015356.
Renal cell carcinoma. Identifiers: Orphanet 217071, MedGen C0007134, MeSH D002292, MONDO:0005086, HP:0005584.

Allele frequency attached by ClinVar (database versions not stated): gnomAD exomes below 0.00001.
gnomAD v4.1: 1 of 1,613,728 alleles (0.000062%); highest among the groups gnomAD compares: Non-Finnish European, 0.000085%; no homozygotes.

Submissions (2):

Ambry Genetics
Classification: Uncertain significance for Hereditary cancer-predisposing syndrome. Last evaluated: 2023-02-24. Review status: criteria provided, single submitter. Criteria: Ambry Variant Classification Scheme 2023. Collection method: clinical testing. Allele origin: germline.
Comment: The p.L919V variant (also known as c.2755C>G), located in coding exon 11 of the MET gene, results from a C to G substitution at nucleotide position 2755. The leucine at codon 919 is replaced by valine, an amino acid with highly similar properties. This amino acid position is conserved. In addition, this alteration is predicted to be tolerated by in silico analysis. Since supporting evidence is limited at this time, the clinical significance of this alteration remains unclear.

Labcorp Genetics (formerly Invitae), Labcorp
Classification: Uncertain significance for Renal cell carcinoma. Last evaluated: 2019-06-30. Review status: criteria provided, single submitter. Criteria: Invitae Variant Classification Sherloc (09022015). Collection method: clinical testing. Allele origin: germline.
Comment: Algorithms developed to predict the effect of missense changes on protein structure and function are either unavailable or do not agree on the potential impact of this missense change (SIFT: "Tolerated"; PolyPhen-2: "Probably Damaging"; Align-GVGD: "Class C0"). This sequence change replaces leucine with valine at codon 919 of the MET protein (p.Leu919Val). The leucine residue is moderately conserved and there is a small physicochemical difference between leucine and valine. This variant is not present in population databases (ExAC no frequency). This variant has not been reported in the literature in individuals with MET-related conditions. Algorithms developed to predict the effect of sequence changes on RNA splicing suggest that this variant may create or strengthen a splice site, but this prediction has not been confirmed by published transcriptional studies. In summary, the available evidence is currently insufficient to determine the role of this variant in disease. Therefore, it has been classified as a Variant of Uncertain Significance.

NM_000245.4(MET):c.2701C>G (p.Leu901Val)

Gene: MET (MET proto-oncogene, receptor tyrosine kinase; plus strand). Cytogenetic location: 7q31.2.
Variant type: single nucleotide variant.
Coding change: c.2701C>G on transcript NM_000245.4 (MANE Select); coding-DNA position 2701, C replaced by G.
Protein change: p.Leu901Val; replaces leucine 901 with valine.
Molecular consequence: missense variant.
Genome position (GRCh38, 1-based): chr7:116,769,762, C>G. VCF-style: chr7-116769762-C-G. GRCh37 (hg19) VCF-style: chr7-116409816-C-G.
Other names: c.2755C>G, p.Leu919Val (NM_001127500.3); c.2701C>G, p.Leu901Val (NM_001324401.3); c.1411C>G, p.Leu471Val (NM_001324402.2); short protein forms L919V, L471V, L901V.
Identifiers: ClinVar variation 937734 (VCV000937734.11), dbSNP rs1384134548, ClinGen allele CA368985783.